The following is an entry in ClinVar:

ClinVar aggregate classification (germline): Pathogenic/Likely pathogenic. Review status: criteria provided, multiple submitters, no conflicts (2 of 4 stars). 9 submissions from 8 submitters: Pathogenic (7); Likely pathogenic (2). Last evaluated 2026-09-01.

Conditions:
Niemann-Pick disease, type A. Also called: Infantile Neurovisceral ASMD (Niemann-Pick Disease Type A; NPD-A); SPHINGOMYELIN LIPIDOSIS; SPHINGOMYELINASE DEFICIENCY. Identifiers: Orphanet 77292, MedGen C0268242, MONDO:0009756, OMIM 257200. Disease mechanism: loss of function.
Niemann-Pick disease, type B. Also called: Chronic Visceral ASMD (Niemann-Pick Disease Type B; NPD-B). Identifiers: Orphanet 77293, MedGen C0268243, MONDO:0011871, OMIM 607616. Disease mechanism: loss of function.
Sphingomyelin/cholesterol lipidosis. Also called: Niemann-Pick disease. Identifiers: MedGen C0028064, MONDO:0001982.
SMPD1-related disorder. Also called: SMPD1-related condition.

Allele frequency attached by ClinVar (database versions not stated): ExAC 0.00001; gnomAD 0.00001; gnomAD exomes 0.00001 and 0.00002.

Submissions (9):

CeGaT Center for Human Genetics Tuebingen
Classification: Pathogenic. Last evaluated: 2026-09-01. Review status: criteria provided, single submitter. Criteria: CeGaT Center For Human Genetics Tuebingen Variant Classification Criteria Version 2. Collection method: clinical testing. Allele origin: germline. Affected: yes. Observed: 1 variant allele.
Comment: SMPD1: PM3:Strong, PM2, PP4:Moderate, PP3, PS3:Supporting

Otogenetics
Classification: Pathogenic for Niemann-Pick disease, type A; Niemann-Pick disease, type B. Last evaluated: 2025-10-29. Review status: criteria provided, single submitter. Criteria: ACMG Guidelines, 2015. Collection method: clinical testing. Allele origin: germline.
Comment: PS3: Well-established in vitro and in vivo functional studies supportive of damaging effect on the gene product (PMID: 1618760); PM2: Maximum gnomAD MAF of 0.0058% in American (AMR) subpopulation (<0.28% threshold); PM3: Variant reported in trans with another pathogenic variant in an individual affected with Niemann-Pick disease (PMID: 1618760); PP2: Missense variant in a gene with a low rate of benign missense mutations, with missense mutation as a common mechanism of disease (PMID: 2649910, 27338287); PP3: In-silico models predict deleterious effect (Revel = 0.89, SpliceAI = 0.36)

Natera, Inc.
Classification: Likely pathogenic for Niemann-Pick Disease, Types A/B. Last evaluated: 2025-09-19. Review status: criteria provided, single submitter. Criteria: Natera Variant Classification Schema (03/2026). Collection method: clinical testing. Allele origin: germline.
Comment: The c.1148A>G variant in SMPD1 is a missense variant predicted to cause substitution of asparagine to serine at amino acid 383. This variant is rare in the general population with a frequency below the threshold expected for the associated phenotype(s). This variant has been observed in one or more individuals affected with the associated recessive disease, as either homozygous or compound heterozygous with a second variant (PMID: 34273913, 1618760). This variant has been identified in one or more affected individual with a phenotype highly consistent with the associated gene (PMID: 34273913). Functional studies show that this variant may disrupt protein function (PMID: 1618760). Computational prediction algorithms indicate this variant is likely to affect gene or protein function. Given the available evidence, this variant is classified as Likely Pathogenic.

PreventionGenetics, part of Exact Sciences
Classification: Pathogenic for SMPD1-related condition. Last evaluated: 2024-10-30. Review status: criteria provided, single submitter. Criteria: ACMG Guidelines, 2015. Collection method: clinical testing. Allele origin: germline.
Comment: The SMPD1 c.1148A>G variant is predicted to result in the amino acid substitution p.Asn383Ser. This variant has been reported in individuals with Niemann-Pick disease, and measured enzyme activity in both patient and non-patient cell lines was consistently demonstrated to be significantly diminished compared to wildtype (Takahashi et al. 1992. PubMed ID: 1618760; Wasserstein et al. 2015. PubMed ID: 26049896; Deshpande et al. 2021. PubMed ID: 34273913). This variant is reported in 0.0058% of alleles in individuals of Latino descent in gnomAD, and is interpreted as pathogenic/likely pathogenic in the ClinVar database. This variant is interpreted as pathogenic.

Foundation for Research in Genetics and Endocrinology, FRIGE's Institute of Human Genetics
Classification: Pathogenic for Niemann-Pick disease, type A; Niemann-Pick disease, type B. Last evaluated: 2024-01-25. Review status: criteria provided, single submitter. Criteria: ACMG Guidelines, 2015. Collection method: clinical testing. Allele origin: germline. Inheritance: Autosomal recessive inheritance. Affected: yes. Observed: 1 homozygote.
Comment: A Homozygous missense variation in exon 3 of the SMPD1gene that results in the amino acid substitution of Serine for Aspargine at codon 383 was detected. The observed variant c.1148A>G (p.Asn383Ser) has not been reported in the 1000 genomes and has minor allelic frequency of 0.0016% in the gnomAD databases. The in silico prediction of the variant is disease causing by PolyPhen-2 (HumDiv), MetaLR, DANN and MutationTaster2. The reference codon is conserved across species. In summary, the variant meets our criteria to be classified as pathogenic.

Labcorp Genetics (formerly Invitae), Labcorp
Classification: Pathogenic for Niemann-Pick disease, type B; Niemann-Pick disease, type A. Last evaluated: 2023-10-30. Review status: criteria provided, single submitter. Criteria: Invitae Variant Classification Sherloc (09022015). Collection method: clinical testing. Allele origin: germline.
Comment: This sequence change replaces asparagine, which is neutral and polar, with serine, which is neutral and polar, at codon 383 of the SMPD1 protein (p.Asn383Ser). This variant is present in population databases (rs776442314, gnomAD 0.006%). This missense change has been observed in individuals with SMPD1-related conditions (PMID: 1618760, 26049896, 34273913). ClinVar contains an entry for this variant (Variation ID: 1173972). Advanced modeling of protein sequence and biophysical properties (such as structural, functional, and spatial information, amino acid conservation, physicochemical variation, residue mobility, and thermodynamic stability) performed at Invitae indicates that this missense variant is expected to disrupt SMPD1 protein function with a positive predictive value of 95%. Experimental studies have shown that this missense change affects SMPD1 function (PMID: 1618760). For these reasons, this variant has been classified as Pathogenic.

Women's Health and Genetics/Laboratory Corporation of America, LabCorp
Classification: Pathogenic for Sphingomyelin/cholesterol lipidosis. Last evaluated: 2023-07-31. Review status: criteria provided, single submitter. Criteria: LabCorp Variant Classification Summary - May 2015. Collection method: clinical testing. Allele origin: germline.
Comment: Variant summary: SMPD1 c.1148A>G (p.Asn383Ser) results in a conservative amino acid change located in the Calcineurin-like phosphoesterase domain (IPR004843) of the encoded protein sequence. Four of five in-silico tools predict a damaging effect of the variant on protein function. The variant allele was found at a frequency of 1.6e-05 in 249270 control chromosomes (gnomAD). c.1148A>G has been reported in the literature in individuals affected with SMPD1-related conditions (example: Deshpande_2021, McGovern_2016, Wasserstein_2015, Takahashi_1992). These data indicate that the variant is likely to be associated with disease. At least one publication reports experimental evidence evaluating an impact on protein function and reported reduced enzyme activity (Takahashi_1992). The following publications have been ascertained in the context of this evaluation (PMID: 34273913, 25834946, 8693491, 26049896). Three submitters have cited clinical-significance assessments for this variant to ClinVar after 2014. All submitters classified the variant as pathogenic/likely pathogenic. Based on the evidence outlined above, the variant was classified as pathogenic.

Foundation for Research in Genetics and Endocrinology, FRIGE's Institute of Human Genetics
Classification: Pathogenic for Niemann-Pick disease, type A. Last evaluated: 2023-06-24. Review status: criteria provided, single submitter. Criteria: ACMG Guidelines, 2015. Collection method: clinical testing. Allele origin: germline. Inheritance: Autosomal recessive inheritance. Affected: yes. Observed: 1 homozygote.
Comment: A homozygous missense variant in exon 3 of the SMPD1 gene that results in the amino acid substitution of Serine for Asparagine at codon 383 was detected. The observed variant c.1148A>G (p.Asp383Ser) has not been reported in the 1000 genomes database and has a MAF of 0.0016% in the gnomAD databases. The in silico prediction of the variant is damaging by PolyPhen-2, DANN, SIFT and MutationTaster2. In summary, the variant meets our criteria to be classified as pathogenic.

Diagnostics Division, CENTRE FOR DNA FINGERPRINTING AND DIAGNOSTICS
Classification: Likely pathogenic for Niemann-Pick disease, type A. Last evaluated: 2021-04-25. Review status: criteria provided, single submitter. Criteria: ACMG Guidelines, 2015. Collection method: research. Allele origin: germline. Affected: yes. Observed: 1 variant allele.

Literature cited by the submitters: PubMed 1618760 (cited by 3 submitters); PubMed 2649910 (cited by Otogenetics); PubMed 27338287 (cited by Otogenetics); PubMed 34273913 (cited by 3 submitters); PubMed 26049896 (cited by Labcorp Genetics (formerly Invitae), Labcorp and Women's Health and Genetics/Laboratory Corporation of America, LabCorp); PubMed 25834946 (cited by Women's Health and Genetics/Laboratory Corporation of America, LabCorp); PubMed 8693491 (cited by Women's Health and Genetics/Laboratory Corporation of America, LabCorp).

NM_000543.5(SMPD1):c.1148A>G (p.Asn383Ser)

Gene: SMPD1 (sphingomyelin phosphodiesterase 1; plus strand). Cytogenetic location: 11p15.4.
Variant type: single nucleotide variant.
Coding change: c.1148A>G on transcript NM_000543.5 (MANE Select); coding-DNA position 1148, A replaced by G.
Protein change: p.Asn383Ser; replaces asparagine 383 with serine.
Molecular consequence: missense variant. On other transcripts: non-coding transcript variant (1), intron variant (1).
Genome position (GRCh38, 1-based): chr11:6,393,272, A>G. VCF-style: chr11-6393272-A-G. GRCh37 (hg19) VCF-style: chr11-6414502-A-G.
Other names: p.Asn383Ser; c.1145A>G, p.Asn382Ser (NM_001007593.3); c.1148A>G, p.Asn383Ser (NM_001318087.2); c.227A>G, p.Asn76Ser (NM_001318088.2); c.1132-345A>G (NM_001365135.2); c.1148A>G (NM_000543.4); short protein forms N382S, N383S, N76S.
Identifiers: ClinVar variation 1173972 (VCV001173972.16), dbSNP rs776442314, ClinGen allele CA5852799.